The following is an entry in ClinVar:

NM_000094.4(COL7A1):c.5743C>T (p.Arg1915Cys)

Gene: COL7A1 (collagen type VII alpha 1 chain; minus strand). Cytogenetic location: 3p21.31.
Variant type: single nucleotide variant.
Coding change: c.5743C>T on transcript NM_000094.4 (MANE Select); coding-DNA position 5743, C replaced by T.
Protein change: p.Arg1915Cys; replaces arginine 1915 with cysteine.
Molecular consequence: missense variant.
Genome position (GRCh38, 1-based): chr3:48,576,429, G>A on the plus strand (C>T on the coding strand, the complement: COL7A1 is on the minus strand). VCF-style: chr3-48576429-G-A. GRCh37 (hg19) VCF-style: chr3-48613862-G-A.
Other names: short protein forms R1915C.
Identifiers: ClinVar variation 2174106 (VCV002174106.2), dbSNP rs762471976, ClinGen allele CA2379347.

ClinVar aggregate classification (germline): Uncertain significance (1 of 4 stars; one submission).

Allele frequency attached by ClinVar (database versions not stated): ExAC 0.00001; gnomAD 0.00001; gnomAD exomes 0.00001; TOPMed 0.00003.
gnomAD v4.1: 14 of 1,613,556 alleles (0.00087%); highest among the groups gnomAD compares: Middle Eastern, 0.016%; no homozygotes.

Submission:

Labcorp Genetics (formerly Invitae), Labcorp
Classification: Uncertain significance. Last evaluated: 2024-07-01. Review status: criteria provided, single submitter. Criteria: Invitae Variant Classification Sherloc (09022015). Collection method: clinical testing. Allele origin: germline.
Comment: This sequence change replaces arginine, which is basic and polar, with cysteine, which is neutral and slightly polar, at codon 1915 of the COL7A1 protein (p.Arg1915Cys). This variant is present in population databases (rs762471976, gnomAD 0.03%). This variant has not been reported in the literature in individuals affected with COL7A1-related conditions. ClinVar contains an entry for this variant (Variation ID: 2174106). Advanced modeling of protein sequence and biophysical properties (such as structural, functional, and spatial information, amino acid conservation, physicochemical variation, residue mobility, and thermodynamic stability) performed at Invitae indicates that this missense variant is expected to disrupt COL7A1 protein function with a positive predictive value of 95%. In summary, the available evidence is currently insufficient to determine the role of this variant in disease. Therefore, it has been classified as a Variant of Uncertain Significance.